The following is an entry in ClinVar:

ClinVar aggregate classification (germline): Uncertain significance (1 of 4 stars; one submission).

Allele frequency attached by ClinVar (database versions not stated): gnomAD exomes below 0.00001; TOPMed below 0.00001.
gnomAD v4.1: 2 of 1,614,134 alleles (0.00012%); highest among the groups gnomAD compares: East Asian, 0.0022%; no homozygotes.

Submission:

Labcorp Genetics (formerly Invitae), Labcorp
Classification: Uncertain significance. Last evaluated: 2021-05-04. Review status: criteria provided, single submitter. Criteria: Invitae Variant Classification Sherloc (09022015). Collection method: clinical testing. Allele origin: germline.
Comment: In summary, the available evidence is currently insufficient to determine the role of this variant in disease. Therefore, it has been classified as a Variant of Uncertain Significance. Algorithms developed to predict the effect of sequence changes on RNA splicing suggest that this variant may create or strengthen a splice site, but this prediction has not been confirmed by published transcriptional studies. Advanced modeling of protein sequence and biophysical properties (such as structural, functional, and spatial information, amino acid conservation, physicochemical variation, residue mobility, and thermodynamic stability) performed at Invitae indicates that this missense variant is not expected to disrupt KMT2A protein function. This variant has not been reported in the literature in individuals with KMT2A-related conditions. This variant is not present in population databases (ExAC no frequency). This sequence change replaces arginine with lysine at codon 2271 of the KMT2A protein (p.Arg2271Lys). The arginine residue is weakly conserved and there is a small physicochemical difference between arginine and lysine.

NM_001197104.2(KMT2A):c.6812G>A (p.Arg2271Lys)

Gene: KMT2A (lysine methyltransferase 2A; plus strand). Cytogenetic location: 11q23.3.
Variant type: single nucleotide variant.
Coding change: c.6812G>A on transcript NM_001197104.2 (MANE Select); coding-DNA position 6812, G replaced by A.
Protein change: p.Arg2271Lys; replaces arginine 2271 with lysine.
Molecular consequence: missense variant.
Genome position (GRCh38, 1-based): chr11:118,502,704, G>A. VCF-style: chr11-118502704-G-A. GRCh37 (hg19) VCF-style: chr11-118373419-G-A.
Other names: c.6803G>A, p.Arg2268Lys (NM_005933.4); short protein forms R2271K, R2268K.
Identifiers: ClinVar variation 1493369 (VCV001493369.8), dbSNP rs1950519239, ClinGen allele CA382803064.
Genomic context (GRCh38, chr11:118,502,704, plus strand): 5'-GGCCACTGAATTCAAGTACTAGTTTAGGGCAAAACACTTCCACCTCTTCAAATTTGCAAA[G>A]GACAGTGGTTACTGTAGGCAATAAAAACAGTCACTTGGATGGATCTTCATCTTCAGAAAT-3'
Protein context (NP_001184033.1, residues 2261-2281): QNTSTSSNLQ[Arg2271Lys]TVVTVGNKNS